The following is an entry in ClinVar:

ClinVar aggregate classification (germline): Uncertain significance (1 of 4 stars; one submission).

Submission:

Laboratory for Molecular Medicine, Mass General Brigham Personalized Medicine
Classification: Uncertain significance. Last evaluated: 2013-03-27. Review status: criteria provided, single submitter. Criteria: LMM Criteria. Collection method: clinical testing. Allele origin: germline. Observed: 1 variant allele.
Comment: The Ile4218Met variant in TTN has not been reported in the literature nor previo usly identified by our laboratory. The frequency of this variant in large Europe an American and African American populations cannot be determined from the NHLBI Exome Sequencing Project because coverage a t this position was insufficient. Computational analyses are limited or unavaila ble for this variant. Additional information is needed to fully assess the clini cal significance of the Ile4218Met variant.

NM_133379.5(TTN):c.12654T>G (p.Ile4218Met)

Gene: TTN (titin; minus strand). Cytogenetic location: 2q31.2.
Variant type: single nucleotide variant.
Coding change: c.12654T>G on transcript NM_133379.5 (MANE Plus Clinical); coding-DNA position 12654, T replaced by G.
Protein change: p.Ile4218Met; replaces isoleucine 4218 with methionine.
Molecular consequence: missense variant. On other transcripts: intron variant (6).
Genome position (GRCh38, 1-based): chr2:178,749,746, A>C on the plus strand (T>G on the coding strand, the complement: TTN is on the minus strand). VCF-style: chr2-178749746-A-C. GRCh37 (hg19) VCF-style: chr2-179614473-A-C.
Other names: c.10222+3378T>G (NM_003319.4); c.10798+3378T>G (NM_133437.4); c.10597+3378T>G (NM_133432.3); c.10360+3378T>G (NM_133378.4, NM_001256850.1); c.11311+3378T>G (NM_001267550.2); short protein forms I4218M.
Identifiers: ClinVar variation 166270 (VCV000166270.5), dbSNP rs727503668, ClinGen allele CA179127.
Genomic context (GRCh38, chr2:178,749,746, plus strand): 5'-CCCTGAATTGTTTTCAGCAACACATTTATATTTTCCAGAATCTTGAGAATTAACATCCTT[A>C]ATATATAATTGGTGGCTACAATTAACTTCTTCAAACTGAAACTTCTGGTTCTGCTTTAAA-3'